The following is an entry in ClinVar:

ClinVar aggregate classification (germline): Pathogenic. Review status: criteria provided, single submitter (1 of 4 stars). 2 submissions from 2 submitters: Pathogenic (1). 1 of the submissions does not count toward it. Last evaluated 2026-10-22.

Conditions:
Birt-Hogg-Dube syndrome. Also called: Birt Hogg Dubé syndrome. Identifiers: Orphanet 122, MedGen C0346010, MONDO:0800444.
Birt-Hogg-Dube syndrome 1 (BHD1). Also called: FIBROFOLLICULOMAS WITH TRICHODISCOMAS AND ACROCHORDONS. Identifiers: Orphanet 122, MedGen CN375946, MONDO:0800445, OMIM 135150.

Submissions (2):

Department of Medical Genetics, Hatay Education and Research Hospital
Classification: Pathogenic for Birt-Hogg-Dube syndrome 1. Last evaluated: 2026-10-22. Review status: criteria provided, single submitter. Criteria: ACMG Guidelines, 2015. Collection method: clinical testing. Allele origin: germline. Affected: yes. Observed: 12 variant alleles.
Comment: The c.1273C>T (p.Gln425*) nonsense variant in the FLCN gene (NM_144997.7) introduces a premature stop codon, which is predicted to undergo nonsense-mediated mRNA decay or yield a severely truncated protein, leading to loss of function (PVS1). This variant is extremely rare or absent in large population databases such as gnoMAD (PM2_Supporting). Furthermore, this variant has previously been reported in ClinVar (Variation ID: 2578469) and described in literature in patients with BHD phenotypes, including a Turkish family with familial pneumothorax (PMID: 31625278) and an additional cohort study (PMID: 31567476). Based on ACMG/AMP guidelines and combined clinical and literature evidence, this variant is classified as Pathogenic for Birt-Hogg-Dubé syndrome.

Division of Respiratory Medicine of Juntendo University, Juntendo University Faculty of Medicine and Graduate School of Medicine
Classification: Pathogenic for Birt-Hogg-Dube syndrome 1. Last evaluated: 2023-07-01. Review status: no assertion criteria provided. Collection method: clinical testing. Allele origin: germline. Affected: yes. Not counted in ClinVar's aggregate classification.

Literature cited by the submitters: PubMed 31625278 (cited by Department of Medical Genetics, Hatay Education and Research Hospital); PubMed 31567476 (cited by Department of Medical Genetics, Hatay Education and Research Hospital).

NM_144997.7(FLCN):c.1273C>T (p.Gln425Ter)

Gene: FLCN (folliculin; minus strand). Cytogenetic location: 17p11.2.
Variant type: single nucleotide variant.
Coding change: c.1273C>T on transcript NM_144997.7 (MANE Select); coding-DNA position 1273, C replaced by T.
Protein change: p.Gln425Ter; replaces glutamine 425 with a stop codon.
Molecular consequence: nonsense.
Genome position (GRCh38, 1-based): chr17:17,216,407, G>A on the plus strand (C>T on the coding strand, the complement: FLCN is on the minus strand). VCF-style: chr17-17216407-G-A. GRCh37 (hg19) VCF-style: chr17-17119721-G-A.
Other names: c.1327C>T, p.Gln443Ter (NM_001353229.2); c.1273C>T, p.Gln425Ter (NM_001353230.2, NM_001353231.2); short protein forms Q425*, Q443*.
Identifiers: ClinVar variation 2578469 (VCV002578469.2), dbSNP rs2544161792, ClinGen allele CA398531664.